The following is an entry in ClinVar:

ClinVar aggregate classification (germline): Pathogenic (1 of 4 stars; one submission).

Conditions:
Primary hyperoxaluria, type I (HP1). Also called: GLYCOLIC ACIDURIA; HEPATIC AGT DEFICIENCY; OXALOSIS I; Primary hyperoxaluria type 1. Identifiers: Orphanet 416, Orphanet 93598, MedGen C0268164, MONDO:0009823, OMIM 259900. Disease mechanism: loss of function.

Submission:

Myriad Genetics, Inc.
Classification: Pathogenic for Primary hyperoxaluria, type I. Last evaluated: 2025-09-14. Review status: criteria provided, single submitter. Criteria: Myriad Autosomal Dominant, Autosomal Recessive and X-Linked Classification Criteria (2023). Collection method: clinical testing. Allele origin: unknown.
Comment: NM_000030.2(AGXT):c.318delC(I107Ffs*13) is expected to be pathogenic in the context of primary hyperoxaluria type 1. This variant is predicted to lead to an abnormal or absent protein product due to the creation of a premature termination codon in AGXT, a gene where loss-of-function variants are known to be pathogenic. Please note: this variant was assessed in the context of healthy population screening.

NM_000030.3(AGXT):c.318del (p.Ile107fs)

Gene: AGXT (alanine--glyoxylate aminotransferase; plus strand). Cytogenetic location: 2q37.3.
Variant type: Deletion.
Coding change: c.318del on transcript NM_000030.3 (MANE Select); coding-DNA position 318, one base deleted (C; older notation c.318delC).
Protein change: p.Ile107fs; shifts the reading frame from isoleucine 107.
Molecular consequence: frameshift variant.
Genome position (GRCh38, 1-based): chr2:240,869,322, C deleted. VCF-style (leftmost placement, unchanged base first): chr2-240869321-GC-G. GRCh37 (hg19) VCF-style: chr2-241808738-GC-G.
Other names: short protein forms I107fs.
Identifiers: ClinVar variation 5014978 (VCV005014978.1).